The following is an entry in ClinVar:

ClinVar aggregate classification (germline): Uncertain significance. Review status: criteria provided, multiple submitters, no conflicts (2 of 4 stars). 2 submissions from 2 submitters: Uncertain significance (2). Last evaluated 2025-09-01.

Allele frequency attached by ClinVar (database versions not stated): TOPMed 0.00001; gnomAD 0.00002.
gnomAD v4.1: 15 of 1,613,184 alleles (0.00093%); highest among the groups gnomAD compares: East Asian, 0.0045%; no homozygotes.

Submissions (2):

Ambry Genetics
Classification: Uncertain significance. Last evaluated: 2025-09-01. Review status: criteria provided, single submitter. Criteria: Ambry Variant Classification Scheme 2023. Collection method: clinical testing. Allele origin: germline.

Labcorp Genetics (formerly Invitae), Labcorp
Classification: Uncertain significance. Last evaluated: 2022-07-19. Review status: criteria provided, single submitter. Criteria: Invitae Variant Classification Sherloc (09022015). Collection method: clinical testing. Allele origin: germline.
Comment: In summary, the available evidence is currently insufficient to determine the role of this variant in disease. Therefore, it has been classified as a Variant of Uncertain Significance. Algorithms developed to predict the effect of missense changes on protein structure and function are either unavailable or do not agree on the potential impact of this missense change (SIFT: "Deleterious"; PolyPhen-2: "Probably Damaging"; Align-GVGD: "Class C0"). ClinVar contains an entry for this variant (Variation ID: 1414719). This variant has not been reported in the literature in individuals affected with DSCAML1-related conditions. This variant is present in population databases (rs773171775, gnomAD 0.005%). This sequence change replaces arginine, which is basic and polar, with cysteine, which is neutral and slightly polar, at codon 1986 of the DSCAML1 protein (p.Arg1986Cys).

NM_020693.4(DSCAML1):c.5776C>T (p.Arg1926Cys)

Gene: DSCAML1 (DS cell adhesion molecule like 1; minus strand). Cytogenetic location: 11q23.3.
Variant type: single nucleotide variant.
Coding change: c.5776C>T on transcript NM_020693.4 (MANE Select); coding-DNA position 5776, C replaced by T.
Protein change: p.Arg1926Cys; replaces arginine 1926 with cysteine.
Molecular consequence: missense variant.
Genome position (GRCh38, 1-based): chr11:117,428,714, G>A on the plus strand (C>T on the coding strand, the complement: DSCAML1 is on the minus strand). VCF-style: chr11-117428714-G-A. GRCh37 (hg19) VCF-style: chr11-117299430-G-A.
Other names: c.5956C>T (NM_020693.2); short protein forms R1926C.
Identifiers: ClinVar variation 1414719 (VCV001414719.7), dbSNP rs773171775, ClinGen allele CA6295973.